The following is an entry in ClinVar:

NM_000326.5(RLBP1):c.362G>A (p.Arg121Gln)

Gene: RLBP1 (retinaldehyde binding protein 1; minus strand). Cytogenetic location: 15q26.1.
Variant type: single nucleotide variant.
Coding change: c.362G>A on transcript NM_000326.5 (MANE Select); coding-DNA position 362, G replaced by A.
Protein change: p.Arg121Gln; replaces arginine 121 with glutamine.
Molecular consequence: missense variant.
Genome position (GRCh38, 1-based): chr15:89,215,223, C>T on the plus strand (G>A on the coding strand, the complement: RLBP1 is on the minus strand). VCF-style: chr15-89215223-C-T. GRCh37 (hg19) VCF-style: chr15-89758454-C-T.
Other names: NP_000317.1:p.(Arg121Gln); c.362G>A (NM_000326.4); short protein forms R121Q.
Identifiers: ClinVar variation 1519943 (VCV001519943.8), dbSNP rs139108078, ClinGen allele CA7722300.
Genomic context (GRCh38, chr15:89,215,223, plus strand): 5'-TCAATGGTGCAGCGGACAGCCTCTGGGGACAGGCTGTCAAAGAGCTCAGGGTACTGCAGC[C>T]GGAAATTCACATAGCCTGGAGGAAGGAGAGCAGAGGAACCCCCTCAGGGAGCCATCCCAT-3'
Protein context (NP_000317.1, residues 111-131): YELLRGYVNF[Arg121Gln]LQYPELFDSL

ClinVar aggregate classification (germline): Uncertain significance. Review status: criteria provided, multiple submitters, no conflicts (2 of 4 stars). 4 submissions from 4 submitters: Uncertain significance (4). Last evaluated 2025-12-28.

Conditions:
Congenital stationary night blindness. Also called: Early-onset non-progressive night blindness. Identifiers: Orphanet 215, MedGen C0339535, MONDO:0016293, HP:0007642.
RLBP1-related disorder. Also called: RLBP1-related condition; RLBP1-related disorders. Identifiers: MedGen CN239413.

Allele frequency attached by ClinVar (database versions not stated): ExAC 0.00002; gnomAD 0.00002; gnomAD exomes 0.00003; TOPMed 0.00003; ESP Exome Variant Server 0.00008.
gnomAD v4.1: 46 of 1,614,024 alleles (0.0029%); highest among the groups gnomAD compares: African/African-American, 0.004%; no homozygotes.

Submissions (4):

PreventionGenetics, part of Exact Sciences
Classification: Uncertain significance for RLBP1-related condition. Last evaluated: 2025-12-28. Review status: criteria provided, single submitter. Criteria: ACMG Guidelines, 2015. Collection method: clinical testing. Allele origin: germline.
Comment: The RLBP1 c.362G>A variant is predicted to result in the amino acid substitution p.Arg121Gln. This variant has been reported in the homozygous state an individual with congenital stationary night blindness (CSNB; Supplementary material, Peter et al. 2023. PubMed ID: 36909829). This variant is reported in 0.0062% of alleles in individuals of African descent in gnomAD. Although we suspect this variant may be pathogenic, at this time, the clinical significance of this variant is uncertain due to the absence of conclusive functional and genetic evidence.

Ophthalmic Genetics Group, Institute of Molecular and Clinical Ophthalmology Basel
Classification: Uncertain significance for Congenital stationary night blindness. Last evaluated: 2023-07-24. Review status: criteria provided, single submitter. Criteria: ACMG Guidelines, 2015. Collection method: research. Allele origin: germline. Affected: yes. Observed: 1 variant allele.
Comment: Clinical significance based on ACMG v2.0

This variant was classified as Uncertain significance based on ACMG criteria: PP3, PM2.

Labcorp Genetics (formerly Invitae), Labcorp
Classification: Uncertain significance. Last evaluated: 2022-08-31. Review status: criteria provided, single submitter. Criteria: Invitae Variant Classification Sherloc (09022015). Collection method: clinical testing. Allele origin: germline.
Comment: This sequence change replaces arginine, which is basic and polar, with glutamine, which is neutral and polar, at codon 121 of the RLBP1 protein (p.Arg121Gln). This variant is present in population databases (rs139108078, gnomAD 0.005%). This variant has not been reported in the literature in individuals affected with RLBP1-related conditions. ClinVar contains an entry for this variant (Variation ID: 1519943). Algorithms developed to predict the effect of missense changes on protein structure and function are either unavailable or do not agree on the potential impact of this missense change (SIFT: "Deleterious"; PolyPhen-2: "Probably Damaging"; Align-GVGD: "Class C0"). Algorithms developed to predict the effect of sequence changes on RNA splicing suggest that this variant may create or strengthen a splice site. In summary, the available evidence is currently insufficient to determine the role of this variant in disease. Therefore, it has been classified as a Variant of Uncertain Significance.

Blueprint Genetics
Classification: Uncertain significance. Last evaluated: 2020-04-21. Review status: criteria provided, single submitter. Criteria: ACMG Guidelines, 2015. Collection method: clinical testing. Allele origin: germline.

Literature cited by the submitters: PubMed 36909829 (cited by Ophthalmic Genetics Group, Institute of Molecular and Clinical Ophthalmology Basel).